The following is an entry in ClinVar:

ClinVar aggregate classification (germline): Likely benign. Review status: criteria provided, multiple submitters, no conflicts (2 of 4 stars). 4 submissions from 4 submitters: Likely benign (4). Last evaluated 2026-08-17.

Conditions:
ZNF423-related disorder. Also called: ZNF423-related condition.
Nephronophthisis 14 (NPHP14). Identifiers: Orphanet 2318, MedGen C3539071, MONDO:0013916, OMIM 614844.

Allele frequency attached by ClinVar (database versions not stated): gnomAD 0.00002; TOPMed 0.00003; ExAC 0.00006.
gnomAD v4.1: 62 of 1,612,630 alleles (0.0038%); highest among the groups gnomAD compares: Admixed American, 0.013%; no homozygotes.

Submissions (4):

PreventionGenetics, part of Exact Sciences
Classification: Likely benign for ZNF423-related condition. Last evaluated: 2026-08-17. Review status: criteria provided, single submitter. Criteria: ACMG Guidelines, 2015. Collection method: clinical testing. Allele origin: germline.
Comment: This variant is classified as likely benign based on ACMG/AMP sequence variant interpretation guidelines (Richards et al. 2015 PMID: 25741868, with internal and published modifications).

Labcorp Genetics (formerly Invitae), Labcorp
Classification: Likely benign for Nephronophthisis 14. Last evaluated: 2024-12-22. Review status: criteria provided, single submitter. Criteria: Invitae Variant Classification Sherloc (09022015). Collection method: clinical testing. Allele origin: germline.

CeGaT Center for Human Genetics Tuebingen
Classification: Likely benign. Last evaluated: 2024-06-01. Review status: criteria provided, single submitter. Criteria: CeGaT Center For Human Genetics Tuebingen Variant Classification Criteria Version 2. Collection method: clinical testing. Allele origin: germline. Affected: yes. Observed: 1 variant allele.
Comment: ZNF423: BP4, BP7

Blueprint Genetics
Classification: Likely benign. Last evaluated: 2022-04-12. Review status: criteria provided, single submitter. Criteria: ACMG Guidelines, 2015. Collection method: clinical testing. Allele origin: germline.

NM_001379286.1(ZNF423):c.2832A>G (p.Ser944=)

Gene: ZNF423 (zinc finger protein 423; minus strand). Cytogenetic location: 16q12.1.
Variant type: single nucleotide variant.
Coding change: c.2832A>G on transcript NM_001379286.1 (MANE Select); coding-DNA position 2832, A replaced by G.
Protein change: p.Ser944=; no amino-acid change (serine 944 retained).
Molecular consequence: synonymous variant.
Genome position (GRCh38, 1-based): chr16:49,636,344, T>C on the plus strand (A>G on the coding strand, the complement: ZNF423 is on the minus strand). VCF-style: chr16-49636344-T-C. GRCh37 (hg19) VCF-style: chr16-49670255-T-C.
Other names: c.2628A>G, p.Ser876= (NM_001271620.2); c.2457A>G, p.Ser819= (NM_001330533.2); c.2808A>G, p.Ser936= (NM_015069.5); c.2808A>G (NM_015069.4).
Identifiers: ClinVar variation 764170 (VCV000764170.27), dbSNP rs771821915, ClinGen allele CA8046425.
Genomic context (GRCh38, chr16:49,636,344, plus strand): 5'-GGCAGGGCCCCGGTGCGTCTGCAGGTGCTCCCGTAGCCCGTTCTCCGAGAAGAAAGTCCG[T>C]GAACAAACGTTGCACTTGTGACTGCCCTTGATAAACTCAGCCTTCTTGCGTGAGCCATCA-3'
Protein context (NP_001366215.1, residues 934-954): IKGSHKCNVC[Ser944=]RTFFSENGLR